The following is an entry in ClinVar:

ClinVar aggregate classification (germline): Uncertain significance. Review status: criteria provided, multiple submitters, no conflicts (2 of 4 stars). 10 submissions from 10 submitters: Uncertain significance (8). 2 of the submissions do not count toward it. Last evaluated 2026-03-27.

Conditions:
Glycine encephalopathy 1 (GCE1). Identifiers: MedGen CN376801, MONDO:0958179, OMIM 605899.
Inborn genetic diseases. Identifiers: MedGen C0950123, MeSH D030342.
Glycine encephalopathy. Also called: Non-ketotic hyperglycinemia; Nonketotic hyperglycinemia. Identifiers: Orphanet 407, MedGen C0751748, MONDO:0011612, HP:0008288.

Allele frequency attached by ClinVar (database versions not stated): TOPMed 0.00019; gnomAD exomes 0.00022 and 0.00041; ExAC 0.00025; gnomAD 0.00031 and 0.00032; ESP Exome Variant Server 0.00046.
gnomAD v4.1: 634 of 1,612,640 alleles (0.039%); highest among the groups gnomAD compares: Non-Finnish European, 0.051%; no homozygotes.

Submissions (10):

Dasa
Classification: Uncertain significance. Last evaluated: 2026-03-27. Review status: criteria provided, single submitter. Criteria: DASA Assertion Criteria. Collection method: clinical testing. Allele origin: germline.
Comment: NM_000170.3(GLDC):c.2147T>A (p.Leu716His) is a missense variant that results in the substitution of leucine with histidine. The affected residue or protein region has prior evidence supporting clinical relevance. This variant is rare in population databases. Computational prediction algorithms are consistent with a deleterious effect. The currently available literature and clinical evidence are not sufficient to establish a definitive association between this variant and the reported condition. Therefore, this variant is classified as a variant of uncertain significance.

Blueprint Genetics
Classification: Uncertain significance. Last evaluated: 2024-09-13. Review status: criteria provided, single submitter. Criteria: ACMG Guidelines, 2015. Collection method: clinical testing. Allele origin: germline.

GeneDx
Classification: Uncertain significance. Last evaluated: 2024-09-11. Review status: criteria provided, single submitter. Criteria: GeneDx Variant Classification Process June 2021. Collection method: clinical testing. Allele origin: germline. Affected: yes.
Comment: Reported along with a second variant in the GLDC gene in a patient with global developmental delay, feeding difficulties, hypothyroidy, vesicourethral reflux, hearing and visual impairment, sleeping disorder, short stature, abnormal MRI, and normal CSF/plasma glycine ratio in the published literature; however, segregation information was not provided (PMID: 36350326); In silico analysis supports that this missense variant has a deleterious effect on protein structure/function; This variant is associated with the following publications: (PMID: 27362913, 36350326)

Department of Pathology and Laboratory Medicine, Sinai Health System
Classification: Uncertain significance for Glycine encephalopathy 1. Last evaluated: 2023-09-05. Review status: criteria provided, single submitter. Criteria: ACMG Guidelines, 2015. Collection method: research. Allele origin: germline.

Labcorp Genetics (formerly Invitae), Labcorp
Classification: Uncertain significance for Glycine encephalopathy. Last evaluated: 2022-08-31. Review status: criteria provided, single submitter. Criteria: Invitae Variant Classification Sherloc (09022015). Collection method: clinical testing. Allele origin: germline.
Comment: This sequence change replaces leucine, which is neutral and non-polar, with histidine, which is basic and polar, at codon 716 of the GLDC protein (p.Leu716His). This variant is present in population databases (rs145018304, gnomAD 0.05%). This missense change has been observed in individual(s) with nonketotic hyperglycinemia (PMID: 27362913). ClinVar contains an entry for this variant (Variation ID: 367183). Advanced modeling of protein sequence and biophysical properties (such as structural, functional, and spatial information, amino acid conservation, physicochemical variation, residue mobility, and thermodynamic stability) performed at Invitae indicates that this missense variant is expected to disrupt GLDC protein function. In summary, the available evidence is currently insufficient to determine the role of this variant in disease. Therefore, it has been classified as a Variant of Uncertain Significance.

Fulgent Genetics
Classification: Uncertain significance for Glycine encephalopathy 1. Last evaluated: 2021-11-09. Review status: criteria provided, single submitter. Criteria: ACMG Guidelines, 2015. Collection method: clinical testing. Allele origin: unknown.

Ambry Genetics
Classification: Uncertain significance for Inborn genetic diseases. Last evaluated: 2021-10-20. Review status: criteria provided, single submitter. Criteria: Ambry Variant Classification Scheme 2023. Collection method: clinical testing. Allele origin: germline.

Illumina Laboratory Services, Illumina
Classification: Uncertain significance for Glycine encephalopathy 1. Last evaluated: 2018-01-13. Review status: criteria provided, single submitter. Criteria: ICSL Variant Classification Criteria 13 December 2019. Collection method: clinical testing. Allele origin: germline.

Natera, Inc.
Classification: Uncertain significance for Non-ketotic hyperglycinemia. Last evaluated: 2020-01-22. Review status: no assertion criteria provided. Collection method: clinical testing. Allele origin: germline. Not counted in ClinVar's aggregate classification.

Counsyl
Classification: Uncertain significance for Glycine encephalopathy 1. Last evaluated: 2017-10-04. Review status: no assertion criteria provided. Collection method: clinical testing. Allele origin: unknown. Not counted in ClinVar's aggregate classification.

Literature cited by the submitters: PubMed 27362913 (cited by 3 submitters).

NM_000170.3(GLDC):c.2147T>A (p.Leu716His)

Gene: GLDC (glycine decarboxylase; minus strand). Cytogenetic location: 9p24.1.
Variant type: single nucleotide variant.
Coding change: c.2147T>A on transcript NM_000170.3 (MANE Select); coding-DNA position 2147, T replaced by A.
Protein change: p.Leu716His; replaces leucine 716 with histidine.
Molecular consequence: missense variant.
Genome position (GRCh38, 1-based): chr9:6,556,208, A>T on the plus strand (T>A on the coding strand, the complement: GLDC is on the minus strand). VCF-style: chr9-6556208-A-T. GRCh37 (hg19) VCF-style: chr9-6556208-A-T.
Other names: short protein forms L716H.
Identifiers: ClinVar variation 367183 (VCV000367183.19), dbSNP rs145018304, ClinGen allele CA4980374.